The following is an entry in ClinVar:

ClinVar aggregate classification (germline): Uncertain significance. Review status: criteria provided, multiple submitters, no conflicts (2 of 4 stars). 2 submissions from 2 submitters: Uncertain significance (2). Last evaluated 2024-11-09.

Conditions:
Inflammatory bowel disease 25. Also called: Inflammatory bowel disease 25, early onset, autosomal recessive. Identifiers: Orphanet 238569, MedGen C2675508, MONDO:0012941, OMIM 612567.
Inborn genetic diseases. Identifiers: MedGen C0950123, MeSH D030342.

Allele frequency attached by ClinVar (database versions not stated): ESP Exome Variant Server 0.00008.
gnomAD v4.1: 13 of 1,614,088 alleles (0.00081%); highest among the groups gnomAD compares: Non-Finnish European, 0.001%; no homozygotes.

Submissions (2):

Ambry Genetics
Classification: Uncertain significance for Inborn genetic diseases. Last evaluated: 2024-11-09. Review status: criteria provided, single submitter. Criteria: Ambry Variant Classification Scheme 2023. Collection method: clinical testing. Allele origin: germline.

Labcorp Genetics (formerly Invitae), Labcorp
Classification: Uncertain significance for Inflammatory bowel disease 25. Last evaluated: 2022-07-06. Review status: criteria provided, single submitter. Criteria: Invitae Variant Classification Sherloc (09022015). Collection method: clinical testing. Allele origin: germline.
Comment: This variant has not been reported in the literature in individuals affected with IL10RB-related conditions. This variant is present in population databases (rs368740217, gnomAD 0.0009%). This sequence change replaces tryptophan, which is neutral and slightly polar, with cysteine, which is neutral and slightly polar, at codon 246 of the IL10RB protein (p.Trp246Cys). In summary, the available evidence is currently insufficient to determine the role of this variant in disease. Therefore, it has been classified as a Variant of Uncertain Significance. Algorithms developed to predict the effect of missense changes on protein structure and function are either unavailable or do not agree on the potential impact of this missense change (SIFT: "Deleterious"; PolyPhen-2: "Possibly Damaging"; Align-GVGD: "Class C0"). ClinVar contains an entry for this variant (Variation ID: 652763).

NM_000628.5(IL10RB):c.738G>T (p.Trp246Cys)

Genes: IFNAR2-IL10RB (IFNAR2-IL10RB readthrough; plus strand), IL10RB (interleukin 10 receptor subunit beta; plus strand). Cytogenetic location: 21q22.11.
Variant type: single nucleotide variant.
Coding change: c.738G>T on transcript NM_000628.5 (MANE Select); coding-DNA position 738, G replaced by T.
Protein change: p.Trp246Cys; replaces tryptophan 246 with cysteine.
Molecular consequence: missense variant.
Genome position (GRCh38, 1-based): chr21:33,288,195, G>T. VCF-style: chr21-33288195-G-T. GRCh37 (hg19) VCF-style: chr21-34660500-G-T.
Other names: c.738G>T (NM_000628.3); short protein forms W246C.
Identifiers: ClinVar variation 652763 (VCV000652763.12), dbSNP rs368740217, ClinGen allele CA320150085.